The following is an entry in ClinVar:

ClinVar aggregate classification (germline): Uncertain significance. Review status: criteria provided, multiple submitters, no conflicts (2 of 4 stars). 4 submissions from 4 submitters: Uncertain significance (4). Last evaluated 2026-09-11.

Conditions:
Hypertrophic cardiomyopathy. Also called: HYPERTROPHIC MYOCARDIOPATHY. Identifiers: Orphanet 217569, MedGen C0007194, MeSH D002312, MONDO:0005045, HP:0001639.
Cardiomyopathy (CMYO). Also called: Cardiomyopathies. Identifiers: Orphanet 167848, MedGen C0878544, MONDO:0004994, HP:0001638. Inheritance: Various modes of inheritance.
Cardiovascular phenotype. Identifiers: MedGen CN230736.

Allele frequency attached by ClinVar (database versions not stated): TOPMed 0.00001.
gnomAD v4.1: 1 of 1,511,790 alleles (0.000066%); highest among the groups gnomAD compares: Non-Finnish European, 0.000088%; no homozygotes.

Submissions (4):

Ambry Genetics
Classification: Uncertain significance for Cardiovascular phenotype. Last evaluated: 2026-09-11. Review status: criteria provided, single submitter. Criteria: Ambry Variant Classification Scheme 2023. Collection method: clinical testing. Allele origin: germline.
Comment: The p.P106A variant (also known as c.316C>G), located in coding exon 3 of the MYBPC3 gene, results from a C to G substitution at nucleotide position 316. The proline at codon 106 is replaced by alanine, an amino acid with highly similar properties. This amino acid position is conserved. In addition, this alteration is predicted to be tolerated by in silico analysis. Based on the available evidence, the clinical significance of this variant remains unclear.

All of Us Research Program, National Institutes of Health
Classification: Uncertain significance for Hypertrophic cardiomyopathy. Last evaluated: 2024-07-29. Review status: criteria provided, single submitter. Criteria: ACMG Guidelines, 2015. Collection method: clinical testing. Allele origin: germline. Inheritance: Autosomal dominant inheritance. Observed: 1 variant allele, 1 heterozygote.
Comment: This missense variant replaces proline with alanine at codon 106 of the MYBPC3 protein. Computational prediction suggests that this variant may not impact protein structure and function (internally defined REVEL score threshold <= 0.5, PMID: 27666373). To our knowledge, functional studies have not been reported for this variant. This variant has not been reported in individuals affected with MYBPC3-related disorders in the literature. This variant has not been identified in the general population by the Genome Aggregation Database (gnomAD). The available evidence is insufficient to determine the role of this variant in disease conclusively. Therefore, this variant is classified as a Variant of Uncertain Significance.

This study involves interpretation of variants in research participants for the purpose of population health screening. Participant phenotype was not available at the time of variant classification. Additional details can be found in publication PMID: 35346344, PMCID: PMC8962531

Color Diagnostics, LLC DBA Color Health
Classification: Uncertain significance for Cardiomyopathy. Last evaluated: 2024-07-16. Review status: criteria provided, single submitter. Criteria: ACMG Guidelines, 2015. Collection method: clinical testing. Allele origin: germline.
Comment: This missense variant replaces proline with alanine at codon 106 of the MYBPC3 protein. Computational prediction suggests that this variant may not impact protein structure and function. To our knowledge, functional studies have not been reported for this variant. This variant has not been reported in individuals affected with MYBPC3-related disorders in the literature. This variant has not been identified in the general population by the Genome Aggregation Database (gnomAD). The available evidence is insufficient to determine the role of this variant in disease conclusively. Therefore, this variant is classified as a Variant of Uncertain Significance.

Labcorp Genetics (formerly Invitae), Labcorp
Classification: Uncertain significance for Hypertrophic cardiomyopathy. Last evaluated: 2023-12-22. Review status: criteria provided, single submitter. Criteria: Invitae Variant Classification Sherloc (09022015). Collection method: clinical testing. Allele origin: germline.
Comment: This sequence change replaces proline, which is neutral and non-polar, with alanine, which is neutral and non-polar, at codon 106 of the MYBPC3 protein (p.Pro106Ala). This variant is not present in population databases (gnomAD no frequency). This variant has not been reported in the literature in individuals affected with MYBPC3-related conditions. An algorithm developed to predict the effect of missense changes on protein structure and function (PolyPhen-2) suggests that this variant¬¨‚Ä†is likely to be tolerated. In summary, the available evidence is currently insufficient to determine the role of this variant in disease. Therefore, it has been classified as a Variant of Uncertain Significance.

NM_000256.3(MYBPC3):c.316C>G (p.Pro106Ala)

Gene: MYBPC3 (myosin binding protein C3; minus strand). Cytogenetic location: 11p11.2.
Variant type: single nucleotide variant.
Coding change: c.316C>G on transcript NM_000256.3 (MANE Select); coding-DNA position 316, C replaced by G.
Protein change: p.Pro106Ala; replaces proline 106 with alanine.
Molecular consequence: missense variant.
Genome position (GRCh38, 1-based): chr11:47,350,592, G>C on the plus strand (C>G on the coding strand, the complement: MYBPC3 is on the minus strand). VCF-style: chr11-47350592-G-C. GRCh37 (hg19) VCF-style: chr11-47372143-G-C.
Other names: short protein forms P106A.
Identifiers: ClinVar variation 2967730 (VCV002967730.6), dbSNP rs1199038134, ClinGen allele CA380341038.